The following continues an entry in ClinVar:

NM_133443.4(GPT2):c.429C>T (p.Gly143=)

Gene: GPT2. ClinVar aggregate classification (germline): Benign. Benign (2).

Submissions 33 to 59 of 59:

Dr. Peter K. Rogan Lab, Western University
No classification provided (evidence only). Condition: Hepatocellular carcinoma. Review status: no classification provided. Collection method: in vitro. Allele origin: not applicable. Functional consequence: retained intron. Not counted in ClinVar's aggregate classification.

Dr. Peter K. Rogan Lab, Western University
No classification provided (evidence only). Condition: Hepatocellular carcinoma. Review status: no classification provided. Collection method: in vitro. Allele origin: not applicable. Functional consequence: retained intron. Not counted in ClinVar's aggregate classification.

Dr. Peter K. Rogan Lab, Western University
No classification provided (evidence only). Condition: Nonpapillary renal cell carcinoma. Review status: no classification provided. Collection method: in vitro. Allele origin: not applicable. Functional consequence: retained intron. Not counted in ClinVar's aggregate classification.

Dr. Peter K. Rogan Lab, Western University
No classification provided (evidence only). Condition: Thymoma. Review status: no classification provided. Collection method: in vitro. Allele origin: not applicable. Functional consequence: retained intron. Not counted in ClinVar's aggregate classification.

Dr. Peter K. Rogan Lab, Western University
No classification provided (evidence only). Condition: Thymoma. Review status: no classification provided. Collection method: in vitro. Allele origin: not applicable. Functional consequence: retained intron. Not counted in ClinVar's aggregate classification.

Dr. Peter K. Rogan Lab, Western University
No classification provided (evidence only). Condition: Ovarian serous cystadenocarcinoma. Review status: no classification provided. Collection method: in vitro. Allele origin: not applicable. Functional consequence: retained intron. Not counted in ClinVar's aggregate classification.

Dr. Peter K. Rogan Lab, Western University
No classification provided (evidence only). Condition: Ovarian serous cystadenocarcinoma. Review status: no classification provided. Collection method: in vitro. Allele origin: not applicable. Functional consequence: retained intron. Not counted in ClinVar's aggregate classification.

Dr. Peter K. Rogan Lab, Western University
No classification provided (evidence only). Condition: Ovarian serous cystadenocarcinoma. Review status: no classification provided. Collection method: in vitro. Allele origin: not applicable. Functional consequence: retained intron. Not counted in ClinVar's aggregate classification.

Dr. Peter K. Rogan Lab, Western University
No classification provided (evidence only). Condition: Ovarian serous cystadenocarcinoma. Review status: no classification provided. Collection method: in vitro. Allele origin: not applicable. Functional consequence: retained intron. Not counted in ClinVar's aggregate classification.

Dr. Peter K. Rogan Lab, Western University
No classification provided (evidence only). Condition: Ovarian serous cystadenocarcinoma. Review status: no classification provided. Collection method: in vitro. Allele origin: not applicable. Functional consequence: retained intron. Not counted in ClinVar's aggregate classification.

Dr. Peter K. Rogan Lab, Western University
No classification provided (evidence only). Condition: Ovarian serous cystadenocarcinoma. Review status: no classification provided. Collection method: in vitro. Allele origin: not applicable. Functional consequence: retained intron. Not counted in ClinVar's aggregate classification.

Dr. Peter K. Rogan Lab, Western University
No classification provided (evidence only). Condition: Ovarian serous cystadenocarcinoma. Review status: no classification provided. Collection method: in vitro. Allele origin: not applicable. Functional consequence: retained intron. Not counted in ClinVar's aggregate classification.

Dr. Peter K. Rogan Lab, Western University
No classification provided (evidence only). Condition: Ovarian serous cystadenocarcinoma. Review status: no classification provided. Collection method: in vitro. Allele origin: not applicable. Functional consequence: retained intron. Not counted in ClinVar's aggregate classification.

Dr. Peter K. Rogan Lab, Western University
No classification provided (evidence only). Condition: Ovarian serous cystadenocarcinoma. Review status: no classification provided. Collection method: in vitro. Allele origin: not applicable. Functional consequence: retained intron. Not counted in ClinVar's aggregate classification.

Dr. Peter K. Rogan Lab, Western University
No classification provided (evidence only). Condition: Gastric cancer. Review status: no classification provided. Collection method: in vitro. Allele origin: not applicable. Functional consequence: retained intron. Not counted in ClinVar's aggregate classification.

Dr. Peter K. Rogan Lab, Western University
No classification provided (evidence only). Condition: Gastric cancer. Review status: no classification provided. Collection method: in vitro. Allele origin: not applicable. Functional consequence: retained intron. Not counted in ClinVar's aggregate classification.

Dr. Peter K. Rogan Lab, Western University
No classification provided (evidence only). Condition: Gastric cancer. Review status: no classification provided. Collection method: in vitro. Allele origin: not applicable. Functional consequence: retained intron. Not counted in ClinVar's aggregate classification.

Dr. Peter K. Rogan Lab, Western University
No classification provided (evidence only). Condition: Gastric cancer. Review status: no classification provided. Collection method: in vitro. Allele origin: not applicable. Functional consequence: retained intron. Not counted in ClinVar's aggregate classification.

Dr. Peter K. Rogan Lab, Western University
No classification provided (evidence only). Condition: Gastric cancer. Review status: no classification provided. Collection method: in vitro. Allele origin: not applicable. Functional consequence: retained intron. Not counted in ClinVar's aggregate classification.

Dr. Peter K. Rogan Lab, Western University
No classification provided (evidence only). Condition: Gastric cancer. Review status: no classification provided. Collection method: in vitro. Allele origin: not applicable. Functional consequence: retained intron. Not counted in ClinVar's aggregate classification.

Dr. Peter K. Rogan Lab, Western University
No classification provided (evidence only). Condition: Gastric cancer. Review status: no classification provided. Collection method: in vitro. Allele origin: not applicable. Functional consequence: retained intron. Not counted in ClinVar's aggregate classification.

Dr. Peter K. Rogan Lab, Western University
No classification provided (evidence only). Condition: Adrenocortical carcinoma, hereditary. Review status: no classification provided. Collection method: in vitro. Allele origin: not applicable. Functional consequence: retained intron. Not counted in ClinVar's aggregate classification.

Dr. Peter K. Rogan Lab, Western University
No classification provided (evidence only). Condition: Uterine carcinosarcoma. Review status: no classification provided. Collection method: in vitro. Allele origin: not applicable. Functional consequence: skipped exon, retained intron. Not counted in ClinVar's aggregate classification.

Dr. Peter K. Rogan Lab, Western University
No classification provided (evidence only). Condition: Uterine carcinosarcoma. Review status: no classification provided. Collection method: in vitro. Allele origin: not applicable. Functional consequence: retained intron. Not counted in ClinVar's aggregate classification.

Dr. Peter K. Rogan Lab, Western University
No classification provided (evidence only). Condition: Uterine carcinosarcoma. Review status: no classification provided. Collection method: in vitro. Allele origin: not applicable. Functional consequence: retained intron. Not counted in ClinVar's aggregate classification.

Dr. Peter K. Rogan Lab, Western University
No classification provided (evidence only). Condition: Malignant tumor of esophagus. Review status: no classification provided. Collection method: in vitro. Allele origin: not applicable. Functional consequence: retained intron. Not counted in ClinVar's aggregate classification.

Dr. Peter K. Rogan Lab, Western University
No classification provided (evidence only). Condition: Malignant tumor of esophagus. Review status: no classification provided. Collection method: in vitro. Allele origin: not applicable. Functional consequence: retained intron. Not counted in ClinVar's aggregate classification.